The following is an entry in ClinVar:

NM_001211.6(BUB1B):c.1738G>A (p.Glu580Lys)

Gene: BUB1B (BUB1 mitotic checkpoint serine/threonine kinase B; plus strand). Cytogenetic location: 15q15.1.
Variant type: single nucleotide variant.
Coding change: c.1738G>A on transcript NM_001211.6 (MANE Select); coding-DNA position 1738, G replaced by A.
Protein change: p.Glu580Lys; replaces glutamic acid 580 with lysine.
Molecular consequence: missense variant.
Genome position (GRCh38, 1-based): chr15:40,206,187, G>A. VCF-style: chr15-40206187-G-A. GRCh37 (hg19) VCF-style: chr15-40498388-G-A.
Other names: short protein forms E580K.
Identifiers: ClinVar variation 2565440 (VCV002565440.2), dbSNP rs2542564595, ClinGen allele CA391692141.

ClinVar aggregate classification (germline): Uncertain significance (1 of 4 stars; one submission).

Conditions:
Inborn genetic diseases. Identifiers: MedGen C0950123, MeSH D030342.

Allele frequency attached by ClinVar (database versions not stated): gnomAD exomes below 0.00001.

Submission:

Ambry Genetics
Classification: Uncertain significance for Inborn genetic diseases. Last evaluated: 2023-03-31. Review status: criteria provided, single submitter. Criteria: Ambry Variant Classification Scheme 2023. Collection method: clinical testing. Allele origin: germline.
Comment: The p.E580K variant (also known as c.1738G>A), located in coding exon 15 of the BUB1B gene, results from a G to A substitution at nucleotide position 1738. The glutamic acid at codon 580 is replaced by lysine, an amino acid with similar properties. This amino acid position is conserved. In addition, this alteration is predicted to be tolerated by in silico analysis. Since supporting evidence is limited at this time, the clinical significance of this alteration remains unclear.